The following is an entry in ClinVar:

ClinVar aggregate classification (germline): Uncertain significance (1 of 4 stars; one submission).

Submission:

Labcorp Genetics (formerly Invitae), Labcorp
Classification: Uncertain significance. Last evaluated: 2023-07-26. Review status: criteria provided, single submitter. Criteria: Invitae Variant Classification Sherloc (09022015). Collection method: clinical testing. Allele origin: germline.
Comment: In summary, the available evidence is currently insufficient to determine the role of this variant in disease. Therefore, it has been classified as a Variant of Uncertain Significance. This variant has not been reported in the literature in individuals affected with AGAP1-related conditions. This variant is not present in population databases (gnomAD no frequency). This sequence change creates a premature translational stop signal (p.Glu130Glyfs*20) in the AGAP1 gene. It is expected to result in an absent or disrupted protein product. However, the current clinical and genetic evidence is not sufficient to establish whether loss-of-function variants in AGAP1 cause disease.

NM_001037131.3(AGAP1):c.386dup (p.Glu130fs)

Gene: AGAP1 (ArfGAP with GTPase domain, ankyrin repeat and PH domain 1; plus strand). Cytogenetic location: 2q37.2.
Variant type: Duplication.
Coding change: c.386dup on transcript NM_001037131.3 (MANE Select); coding-DNA position 386, one base duplicated (C; older notation c.386dupC).
Protein change: p.Glu130fs; shifts the reading frame from glutamic acid 130.
Molecular consequence: frameshift variant.
Genome position (GRCh38, 1-based): chr2:235,741,038, C duplicated; the last of 6 consecutive C bases (chr2:235,741,033-235,741,038); duplicating any one gives the same sequence. VCF-style (leftmost placement, unchanged base first): chr2-235741032-G-GC. GRCh37 (hg19) VCF-style: chr2-236649676-G-GC.
Other names: c.386dup, p.Glu130fs (NM_001244888.2, NM_014914.5); c.386dup, p.Glu130Glyfs (NM_001412122.1); short protein forms E130fs.
Identifiers: ClinVar variation 2744599 (VCV002744599.3), dbSNP rs2545845941, ClinGen allele CA645514270.
Genomic context (GRCh38, chr2:235,741,032, plus strand): 5'-TCAAGAAAGAGATTGTCGTTGATGGACAGAGCTATCTGCTGCTGATCAGAGATGAAGGGG[G>GC]CCCCCCGGAGGCGCAGGTGAGTATACATGCATGCCCCAAGCCTGCTTTTTTTCCCTTTGT-3'